The following is an entry in ClinVar:

NM_199168.4(CXCL12):c.*2C>T

Gene: CXCL12 (C-X-C motif chemokine ligand 12; minus strand). Cytogenetic location: 10q11.21.
Variant type: single nucleotide variant.
Coding change: c.*2C>T on transcript NM_199168.4 (MANE Select); 2 bases downstream of the stop codon, C replaced by T.
Molecular consequence: 3 prime UTR variant. On other transcripts: intron variant (4).
Genome position (GRCh38, 1-based): chr10:44,378,631, G>A on the plus strand (C>T on the coding strand, the complement: CXCL12 is on the minus strand). VCF-style: chr10-44378631-G-A. GRCh37 (hg19) VCF-style: chr10-44874079-G-A.
Other names: c.109+2202C>T (NM_001277990.2); c.266+6C>T (NM_000609.7, NM_001033886.2, NM_001178134.2).
Identifiers: ClinVar variation 625926 (VCV000625926.3), dbSNP rs749856360, ClinGen allele CA5479200.
Genomic context (GRCh38, chr10:44,378,631, plus strand): 5'-TCTCACAAGGTTTTAGTTTTCCTCGAGTGGGTCTAGCGGAAAGTCCTTTTTGGCTGTTGT[G>A]CTTACTTGTTTAAAGCTTTCTCCAGGTACTCCTGAATCCACTTTAGCTTCGGGTCAATGC-3'

ClinVar aggregate classification (germline): Uncertain significance (1 of 4 stars; one submission).

Conditions:
Susceptibility to HIV infection. Also called: HUMAN IMMUNODEFICIENCY VIRUS TYPE 1, RESISTANCE TO; Human immunodeficiency virus type 1, susceptibility to; HIV-1, SUSCEPTIBILITY TO. Identifiers: MedGen C1836230, MONDO:0004951, OMIM 609423.

Allele frequency attached by ClinVar (database versions not stated): gnomAD exomes 0.00002 and 0.00003; ExAC 0.00005.
gnomAD v4.1: 25 of 1,614,114 alleles (0.0015%); highest among the groups gnomAD compares: South Asian, 0.025%; no homozygotes.

Submission:

Center for Genomics, Ann and Robert H. Lurie Children's Hospital of Chicago
Classification: Uncertain significance for Susceptibility to HIV infection. Last evaluated: 2021-03-30. Review status: criteria provided, single submitter. Criteria: ACMG Guidelines, 2015. Collection method: clinical testing. Allele origin: germline.
Comment: CXCL12 NM_000609 exon 3 c.266+6C>T: This variant has not been reported in the literature but is present in 6/30782 South Asian alleles in the Genome Aggregation Database. Evolutionary conservation and computational predictive tools for this variant are limited or unavailable. This variant is an intronic variant with no predicted change in the amino acid sequence but may have an unknown effect on splicing. Further studies are needed to understand its impact. In summary, data on this variant is insufficient for disease classification. Therefore, the clinical significance of this variant is uncertain.